The following is an entry in ClinVar:

ClinVar aggregate classification (germline): Likely pathogenic (1 of 4 stars; one submission).

Conditions:
Neurodevelopmental disorder and structural brain anomalies with or without seizures and spasticity. Identifiers: MedGen C5394423, MONDO:0030046, OMIM 618890.

Submission:

3billion
Classification: Likely pathogenic for Neurodevelopmental disorder and structural brain anomalies with or without seizures and spasticity. Last evaluated: 2022-01-03. Review status: criteria provided, single submitter. Criteria: ACMG Guidelines, 2015. Collection method: clinical testing. Allele origin: germline. Affected: yes. Observed: 1 heterozygote.
Comment: Frameshift: predicted to result in a loss or disruption of normal protein function through nonsense-mediated decay (NMD) or protein truncation. Multiple pathogenic variants are reported downstream of the variant (PVS1_VS). It is not observed in the gnomAD v2.1.1 dataset (PM2_M). Therefore, this variant is classified as likely pathogenic according to the recommendation of ACMG/AMP guideline.

NM_015466.4(PTPN23):c.3773del (p.Pro1258fs)

Gene: PTPN23 (protein tyrosine phosphatase non-receptor type 23; plus strand). Cytogenetic location: 3p21.31.
Variant type: Deletion.
Coding change: c.3773del on transcript NM_015466.4 (MANE Select); coding-DNA position 3773, one base deleted (C; older notation c.3773delC).
Protein change: p.Pro1258fs; shifts the reading frame from proline 1258.
Molecular consequence: frameshift variant.
Genome position (GRCh38, 1-based): chr3:47,411,571, C deleted; the last of 6 consecutive C bases (chr3:47,411,566-47,411,571); deleting any one gives the same sequence. VCF-style (leftmost placement, unchanged base first): chr3-47411565-GC-G. GRCh37 (hg19) VCF-style: chr3-47453055-GC-G.
Other names: c.3395del, p.Pro1132fs (NM_001304482.2); short protein forms P1132fs, P1258fs.
Identifiers: ClinVar variation 1333493 (VCV001333493.1), dbSNP rs758419807, ClinGen allele CA2573052186.